The following is an entry in ClinVar:

ClinVar aggregate classification (germline): Uncertain significance (1 of 4 stars; one submission).

Conditions:
Neurofibromatosis, type 1 (NF1). Also called: VON RECKLINGHAUSEN DISEASE; NEUROFIBROMATOSIS, TYPE I, SOMATIC; Peripheral type neurofibromatosis; Neurofibromatosis, type I. Identifiers: Orphanet 636, MedGen C0027831, MONDO:0018975, OMIM 162200. Disease mechanism: loss of function.

Submission:

Labcorp Genetics (formerly Invitae), Labcorp
Classification: Uncertain significance for Neurofibromatosis, type 1. Last evaluated: 2017-01-14. Review status: criteria provided, single submitter. Criteria: Invitae Variant Classification Sherloc (09022015). Collection method: clinical testing. Allele origin: germline.
Comment: This sequence change replaces isoleucine with leucine at codon 2445 of the NF1 protein (p.Ile2445Leu). The isoleucine residue is weakly conserved and there is a small physicochemical difference between isoleucine and leucine. In summary, this variant is a novel missense change that is not predicted to affect protein function. There is no indication that it causes disease, but the available evidence is currently insufficient to prove that conclusively. Therefore, it has been classified as a Variant of Uncertain Significance. Algorithms developed to predict the effect of missense changes on protein structure and function (SIFT, PolyPhen-2, Align-GVGD) all suggest that this variant is likely to be tolerated, but these predictions have not been confirmed by published functional studies. This variant is not present in population databases (ExAC no frequency) and has not been reported in the literature in individuals with an NF1-related disease.

NM_001042492.3(NF1):c.7396A>C (p.Ile2466Leu)

Gene: NF1 (neurofibromin 1; plus strand). Cytogenetic location: 17q11.2.
Variant type: single nucleotide variant.
Coding change: c.7396A>C on transcript NM_001042492.3 (MANE Select); coding-DNA position 7396, A replaced by C.
Protein change: p.Ile2466Leu; replaces isoleucine 2466 with leucine.
Molecular consequence: missense variant.
Genome position (GRCh38, 1-based): chr17:31,350,257, A>C. VCF-style: chr17-31350257-A-C. GRCh37 (hg19) VCF-style: chr17-29677275-A-C.
Other names: c.7333A>C, p.Ile2445Leu (NM_000267.4); short protein forms I2445L, I2466L.
Identifiers: ClinVar variation 457838 (VCV000457838.5), dbSNP rs748027595, ClinGen allele CA399017098.
Genomic context (GRCh38, chr17:31,350,257, plus strand): 5'-TCTGAAGAAGTTCGAAGTCGCTGCAGCCTAAAACATAGAAAGTCACTTCTTCTTACTGAT[A>C]TTTCAATGGAAAATGTTCCTATGGATACATATCCCATTCATCATGGTGACCCTTCCTATA-3'
Protein context (NP_001035957.1, residues 2456-2476): KHRKSLLLTD[Ile2466Leu]SMENVPMDTY